The following is an entry in ClinVar:

ClinVar aggregate classification (germline): Uncertain significance (1 of 4 stars; one submission).

Conditions:
Progressive sclerosing poliodystrophy (MTDPS4A). Also called: ALPERS PROGRESSIVE INFANTILE POLIODYSTROPHY; NEURONAL DEGENERATION OF CHILDHOOD WITH LIVER DISEASE, PROGRESSIVE; Alpers Syndrome; ALPERS DIFFUSE DEGENERATION OF CEREBRAL GRAY MATTER WITH HEPATIC CIRRHOSIS; Alpers-Huttenlocher Syndrome; Mitochondrial DNA depletion syndrome 4A (Alpers type). Identifiers: Orphanet 726, MedGen C0205710, MONDO:0008758, OMIM 203700.

gnomAD v4.1: 1 of 1,614,200 alleles (0.000062%); highest among the groups gnomAD compares: Admixed American, 0.0017%; no homozygotes.

Submission:

Labcorp Genetics (formerly Invitae), Labcorp
Classification: Uncertain significance for Progressive sclerosing poliodystrophy. Last evaluated: 2025-01-23. Review status: criteria provided, single submitter. Criteria: Invitae Variant Classification Sherloc (09022015). Collection method: clinical testing. Allele origin: germline.
Comment: This sequence change replaces aspartic acid, which is acidic and polar, with asparagine, which is neutral and polar, at codon 1013 of the POLG protein (p.Asp1013Asn). This variant is not present in population databases (gnomAD no frequency). This variant has not been reported in the literature in individuals affected with POLG-related conditions. ClinVar contains an entry for this variant (Variation ID: 1430715). Invitae Evidence Modeling of protein sequence and biophysical properties (such as structural, functional, and spatial information, amino acid conservation, physicochemical variation, residue mobility, and thermodynamic stability) has been performed for this missense variant. However, the output from this modeling did not meet the statistical confidence thresholds required to predict the impact of this variant on POLG protein function. In summary, the available evidence is currently insufficient to determine the role of this variant in disease. Therefore, it has been classified as a Variant of Uncertain Significance.

NM_002693.3(POLG):c.3037G>A (p.Asp1013Asn)

Gene: POLG (DNA polymerase gamma, catalytic subunit; minus strand). Cytogenetic location: 15q26.1.
Variant type: single nucleotide variant.
Coding change: c.3037G>A on transcript NM_002693.3 (MANE Select); coding-DNA position 3037, G replaced by A.
Protein change: p.Asp1013Asn; replaces aspartic acid 1013 with asparagine.
Molecular consequence: missense variant.
Genome position (GRCh38, 1-based): chr15:89,319,295, C>T on the plus strand (G>A on the coding strand, the complement: POLG is on the minus strand). VCF-style: chr15-89319295-C-T. GRCh37 (hg19) VCF-style: chr15-89862526-C-T.
Other names: c.3037G>A, p.Asp1013Asn (NM_001126131.2); short protein forms D1013N.
Identifiers: ClinVar variation 1430715 (VCV001430715.6), dbSNP rs1307399071, ClinGen allele CA393751390.
Genomic context (GRCh38, chr15:89,319,295, plus strand): 5'-CAGTTTCTCTCTGGACCTTGCGCAGATCCTGCAGGGAAATCCAGCCACCCTCAGTCCTGT[C>T]CACTGGGAGGTTCAACTCCCTCACCAGCCACTCGCCCTCATCCGACAGCCGATACCTGGG-3'
Protein context (NP_002684.1, residues 1003-1023): WLVRELNLPV[Asp1013Asn]RTEGGWISLQ